The following is an entry in ClinVar:

NM_020975.6(RET):c.1606_1617del (p.Ser536_Gly539del)

Gene: RET (ret proto-oncogene; plus strand). Cytogenetic location: 10q11.21.
Variant type: Deletion.
Coding change: c.1606_1617del on transcript NM_020975.6 (MANE Select); coding-DNA positions 1606 to 1617, 12 bases deleted (TCCCCAACAGGC).
Protein change: p.Ser536_Gly539del.
Molecular consequence: inframe deletion. On other transcripts: inframe indel (2).
Genome position (GRCh38, 1-based): chr10:43,112,182-43,112,193, TCCCCAACAGGC deleted; deleting any 12 consecutive bases within chr10:43,112,179-43,112,193 gives the same sequence; the c. name uses the placement nearest the transcript's 3' end. VCF-style (leftmost placement, unchanged base first): chr10-43112178-GGGCTCCCCAACA-G. GRCh37 (hg19) VCF-style: chr10-43607626-GGGCTCCCCAACA-G.
Other names: c.1606_1617delTCCCCAACAGGC, p.Ser536_Gly539del (NM_000323.2, NM_020629.2); c.844_855del, p.Ser282_Gly285del (NM_001355216.2); c.1606_1617del, p.Ser536_Gly539del (NM_001406743.1, NM_001406744.1, NM_001406759.1 and 4 more transcripts); c.1477_1488del, p.Ser493_Gly496del (NM_001406761.1, NM_001406762.1, NM_001406764.1 and 1 more transcripts); c.1318_1329del, p.Ser440_Gly443del (NM_001406766.1, NM_001406767.1, NM_001406770.1); c.1210_1221del, p.Ser404_Gly407del (NM_001406769.1, NM_001406772.1); c.1168_1179del, p.Ser390_Gly393del (NM_001406771.1, NM_001406773.1); c.1081_1092del, p.Ser361_Gly364del (NM_001406774.1); and 6 more.
Identifiers: ClinVar variation 2766814 (VCV002766814.3), dbSNP rs2538460213, ClinGen allele CA2697558312.

ClinVar aggregate classification (germline): Uncertain significance (1 of 4 stars; one submission).

Conditions:
Multiple endocrine neoplasia, type 2 (MEN2). Identifiers: Orphanet 653, MedGen C4048306, MONDO:0019003. Disease mechanism: gain of function.

Submission:

Labcorp Genetics (formerly Invitae), Labcorp
Classification: Uncertain significance for Multiple endocrine neoplasia, type 2. Last evaluated: 2023-10-08. Review status: criteria provided, single submitter. Criteria: Invitae Variant Classification Sherloc (09022015). Collection method: clinical testing. Allele origin: germline.
Comment: This variant, c.1606_1617del, results in the deletion of 4 amino acid(s) of the RET protein (p.Ser536_Gly539del), but otherwise preserves the integrity of the reading frame. This variant is not present in population databases (gnomAD no frequency). This variant has not been reported in the literature in individuals affected with RET-related conditions. Experimental studies and prediction algorithms are not available or were not evaluated, and the functional significance of this variant is currently unknown. In summary, the available evidence is currently insufficient to determine the role of this variant in disease. Therefore, it has been classified as a Variant of Uncertain Significance.